The following is an entry in ClinVar:

ClinVar aggregate classification (germline): Uncertain significance (1 of 4 stars; one submission).

Allele frequency attached by ClinVar (database versions not stated): ExAC 0.00006.

Submission:

Labcorp Genetics (formerly Invitae), Labcorp
Classification: Uncertain significance. Last evaluated: 2022-01-17. Review status: criteria provided, single submitter. Criteria: Invitae Variant Classification Sherloc (09022015). Collection method: clinical testing. Allele origin: germline.
Comment: This sequence change replaces histidine, which is basic and polar, with glutamine, which is neutral and polar, at codon 666 of the COL13A1 protein (p.His666Gln). This variant is present in population databases (rs757830252, gnomAD 0.02%). This variant has not been reported in the literature in individuals affected with COL13A1-related conditions. Algorithms developed to predict the effect of missense changes on protein structure and function are either unavailable or do not agree on the potential impact of this missense change (SIFT: "Tolerated"; PolyPhen-2: "Probably Damaging"; Align-GVGD: "Class C0"). In summary, the available evidence is currently insufficient to determine the role of this variant in disease. Therefore, it has been classified as a Variant of Uncertain Significance.

NM_001368882.1(COL13A1):c.2031T>G (p.His677Gln)

Gene: COL13A1 (collagen type XIII alpha 1 chain; plus strand). Cytogenetic location: 10q22.1.
Variant type: single nucleotide variant.
Coding change: c.2031T>G on transcript NM_001368882.1 (MANE Select); coding-DNA position 2031, T replaced by G.
Protein change: p.His677Gln; replaces histidine 677 with glutamine.
Molecular consequence: missense variant.
Genome position (GRCh38, 1-based): chr10:69,947,315, T>G. VCF-style: chr10-69947315-T-G. GRCh37 (hg19) VCF-style: chr10-71707071-T-G.
Other names: c.1998T>G, p.His666Gln (NM_001130103.2); c.1887T>G, p.His629Gln (NM_001320951.2); c.1908T>G, p.His636Gln (NM_001368883.1); c.1845T>G, p.His615Gln (NM_001368884.1); c.1809T>G, p.His603Gln (NM_001368885.1); c.1287T>G, p.His429Gln (NM_001368886.1); c.1818T>G, p.His606Gln (NM_001368895.1); c.1740T>G, p.His580Gln (NM_001368896.1); and 7 more; short protein forms H577Q, H597Q, H617Q, H644Q, H666Q, H580Q, H603Q, H606Q.
Identifiers: ClinVar variation 1472595 (VCV001472595.3), dbSNP rs757830252, ClinGen allele CA5535067.